The following is an entry in ClinVar:

NM_005378.6(MYCN):c.1148G>A (p.Arg383His)

Gene: MYCN (MYCN proto-oncogene, bHLH transcription factor; plus strand). Cytogenetic location: 2p24.3.
Variant type: single nucleotide variant.
Coding change: c.1148G>A on transcript NM_005378.6 (MANE Select); coding-DNA position 1148, G replaced by A.
Protein change: p.Arg383His; replaces arginine 383 with histidine.
Molecular consequence: missense variant. On other transcripts: 3 prime UTR variant (1).
Genome position (GRCh38, 1-based): chr2:15,945,850, G>A. VCF-style: chr2-15945850-G-A. GRCh37 (hg19) VCF-style: chr2-16085972-G-A.
Other names: c.1148G>A, p.Arg383His (NM_001293228.2); c.515G>A, p.Arg172His (NM_001293231.2); c.*1083G>A (NM_001293233.2); short protein forms R172H, R383H.
Identifiers: ClinVar variation 1678801 (VCV001678801.4), dbSNP rs998174759, ClinGen allele CA43192493.

ClinVar aggregate classification (germline): Likely pathogenic (1 of 4 stars; one submission).

Allele frequency attached by ClinVar (database versions not stated): TOPMed below 0.00001; gnomAD 0.00001.
gnomAD v4.1: 1 of 1,613,914 alleles (0.000062%); highest among the groups gnomAD compares: Admixed American, 0.0017%; no homozygotes.

Submission:

GeneDx
Classification: Likely pathogenic. Last evaluated: 2023-10-16. Review status: criteria provided, single submitter. Criteria: GeneDx Variant Classification Process June 2021. Collection method: clinical testing. Allele origin: germline. Affected: yes.
Comment: Not observed at significant frequency in large population cohorts (gnomAD); In silico analysis supports that this missense variant has a deleterious effect on protein structure/function; This variant is associated with the following publications: (PMID: 31785789, 32818509, 25533962)